The following is an entry in ClinVar:

NM_019098.5(CNGB3):c.257del (p.Pro86fs)

Gene: CNGB3 (cyclic nucleotide gated channel subunit beta 3; minus strand). Cytogenetic location: 8q21.3.
Variant type: Deletion.
Coding change: c.257del on transcript NM_019098.5 (MANE Select); coding-DNA position 257, one base deleted (C; older notation c.257delC).
Protein change: p.Pro86fs; shifts the reading frame from proline 86.
Molecular consequence: frameshift variant.
Genome position (GRCh38, 1-based): chr8:86,726,612, G deleted on the plus strand (C on the coding strand, the reverse complement: CNGB3 is on the minus strand); the first of 3 consecutive G bases (chr8:86,726,612-86,726,614); deleting any one gives the same sequence. VCF-style (leftmost placement, unchanged base first): chr8-86726611-AG-A. GRCh37 (hg19) VCF-style: chr8-87738839-AG-A.
Other names: c.257delC (NM_019098.4); short protein forms P86fs.
Identifiers: ClinVar variation 427647 (VCV000427647.7), dbSNP rs1554618420, ClinGen allele CA645372471.

ClinVar aggregate classification (germline): Pathogenic. Review status: criteria provided, multiple submitters, no conflicts (2 of 4 stars). 3 submissions from 3 submitters: Pathogenic (2). 1 of the submissions does not count toward it. Last evaluated 2022-01-08.

Conditions:
CNGB3-related disorder. Also called: CNGB3-related disorders; CNGB3-related condition. Identifiers: MedGen CN239340.
Achromatopsia 3 (ACHM3). Also called: PINGELAPESE BLINDNESS; ACHROMATOPSIA WITH MYOPIA; TOTAL COLORBLINDNESS WITH MYOPIA; ROD MONOCHROMACY 1; ROD MONOCHROMATISM 1. Identifiers: Orphanet 49382, MedGen C1849792, MONDO:0009875, OMIM 262300.

Submissions (3):

Blueprint Genetics
Classification: Pathogenic for CNGB3-related disorders. Last evaluated: 2022-01-08. Review status: criteria provided, single submitter. Criteria: ACMG Guidelines, 2015. Collection method: clinical testing. Allele origin: germline. Affected: yes. Observed: 1 variant allele.

Labcorp Genetics (formerly Invitae), Labcorp
Classification: Pathogenic. Last evaluated: 2021-09-05. Review status: criteria provided, single submitter. Criteria: Invitae Variant Classification Sherloc (09022015). Collection method: clinical testing. Allele origin: germline.
Comment: For these reasons, this variant has been classified as Pathogenic. This sequence change creates a premature translational stop signal (p.Pro86Leufs*39) in the CNGB3 gene. It is expected to result in an absent or disrupted protein product. Loss-of-function variants in CNGB3 are known to be pathogenic (PMID: 28795510). This variant is not present in population databases (ExAC no frequency). This premature translational stop signal has been observed in individual(s) with CNGB3-related conditions (PMID: 28795510). ClinVar contains an entry for this variant (Variation ID: 427647).

Molecular Genetics Laboratory, Institute for Ophthalmic Research
Classification: Pathogenic for ACHM3. Last evaluated: 2017-03-27. Review status: no assertion criteria provided. Collection method: research. Allele origin: unknown. Affected: yes. Not counted in ClinVar's aggregate classification.

Literature cited by the submitters: PubMed 28795510 (cited by Labcorp Genetics (formerly Invitae), Labcorp and Molecular Genetics Laboratory, Institute for Ophthalmic Research).